The following is an entry in ClinVar:

ClinVar aggregate classification (germline): Benign. Review status: criteria provided, single submitter (1 of 4 stars). 2 submissions from 2 submitters: Benign (1). 1 of the submissions does not count toward it. Last evaluated 2018-11-09.

Conditions:
DHX34-related disorder. Also called: DHX34-related condition.

Allele frequency attached by ClinVar (database versions not stated): gnomAD exomes 0.00271; ExAC 0.00303; gnomAD 0.00947 and 0.01024; 1000 Genomes Project 30x 0.00999; 1000 Genomes Project 0.01018; ESP Exome Variant Server 0.01099; TOPMed 0.01101.
gnomAD v4.1: 3,281 of 1,614,174 alleles (0.2%); highest among the groups gnomAD compares: African/African-American, 3.2%; 30 homozygotes.

Submissions (2):

Labcorp Genetics (formerly Invitae), Labcorp
Classification: Benign. Last evaluated: 2018-11-09. Review status: criteria provided, single submitter. Criteria: Invitae Variant Classification Sherloc (09022015). Collection method: clinical testing. Allele origin: germline.

PreventionGenetics, part of Exact Sciences
Classification: Benign for DHX34-related condition. Last evaluated: 2019-11-26. Review status: no assertion criteria provided. Collection method: clinical testing. Allele origin: germline. Not counted in ClinVar's aggregate classification.
Comment: This variant is classified as benign based on ACMG/AMP sequence variant interpretation guidelines (Richards et al. 2015 PMID: 25741868, with internal and published modifications).

NM_014681.6(DHX34):c.350G>A (p.Gly117Asp)

Gene: DHX34 (DExH-box helicase 34; plus strand). Cytogenetic location: 19q13.32.
Variant type: single nucleotide variant.
Coding change: c.350G>A on transcript NM_014681.6 (MANE Select); coding-DNA position 350, G replaced by A.
Protein change: p.Gly117Asp; replaces glycine 117 with aspartic acid.
Molecular consequence: missense variant.
Genome position (GRCh38, 1-based): chr19:47,353,380, G>A. VCF-style: chr19-47353380-G-A. GRCh37 (hg19) VCF-style: chr19-47856637-G-A.
Other names: short protein forms G117D.
Identifiers: ClinVar variation 789121 (VCV000789121.5), dbSNP rs8113564, ClinGen allele CA9537730.